The following is an entry in ClinVar:

NM_022081.6(HPS4):c.922A>G (p.Thr308Ala)

Gene: HPS4 (HPS4 biogenesis of lysosomal organelles complex 3 subunit 2; minus strand). Cytogenetic location: 22q12.1.
Variant type: single nucleotide variant.
Coding change: c.922A>G on transcript NM_022081.6 (MANE Select); coding-DNA position 922, A replaced by G.
Protein change: p.Thr308Ala; replaces threonine 308 with alanine.
Molecular consequence: missense variant. On other transcripts: non-coding transcript variant (8).
Genome position (GRCh38, 1-based): chr22:26,464,708, T>C on the plus strand (A>G on the coding strand, the complement: HPS4 is on the minus strand). VCF-style: chr22-26464708-T-C. GRCh37 (hg19) VCF-style: chr22-26860674-T-C.
Other names: p.Thr308Ala; c.922A>G, p.Thr308Ala (NM_001349896.1, NM_001349898.2, NM_001349899.2 and 4 more transcripts); c.976A>G, p.Thr326Ala (NM_001349900.2, NM_001349901.1); c.907A>G, p.Thr303Ala (NM_152841.2); short protein forms T303A, T308A, T326A.
Identifiers: ClinVar variation 341013 (VCV000341013.15), dbSNP rs150057646, ClinGen allele CA10163443.

ClinVar aggregate classification (germline): Conflicting classifications of pathogenicity. Review status: criteria provided, conflicting classifications (1 of 4 stars). 5 submissions from 5 submitters: Uncertain significance (2); Likely benign (2). 1 of the submissions does not count toward it. Last evaluated 2026-01-12.

Conditions:
HPS4-related disorder. Also called: HPS4-related condition.
Hermansky-Pudlak syndrome 4 (HPS4). Identifiers: Orphanet 231500, Orphanet 79430, MedGen C3484357, MONDO:0013556, OMIM 614073.

Allele frequency attached by ClinVar (database versions not stated): gnomAD 0.00011; ExAC 0.00014; gnomAD exomes 0.00014 and 0.00021; TOPMed 0.00014; ESP Exome Variant Server 0.00015.
gnomAD v4.1: 229 of 1,605,264 alleles (0.014%); highest among the groups gnomAD compares: South Asian, 0.03%; 1 homozygote.

Submissions (5):

Labcorp Genetics (formerly Invitae), Labcorp
Classification: Likely benign. Last evaluated: 2026-01-12. Review status: criteria provided, single submitter. Criteria: Invitae Variant Classification Sherloc (09022015). Collection method: clinical testing. Allele origin: germline.

PreventionGenetics, part of Exact Sciences
Classification: Likely benign for HPS4-related condition. Last evaluated: 2025-05-15. Review status: criteria provided, single submitter. Criteria: ACMG Guidelines, 2015. Collection method: clinical testing. Allele origin: germline.
Comment: This variant is classified as likely benign based on ACMG/AMP sequence variant interpretation guidelines (Richards et al. 2015 PMID: 25741868, with internal and published modifications).

Mayo Clinic Laboratories, Mayo Clinic
Classification: Uncertain significance. Last evaluated: 2024-05-06. Review status: criteria provided, single submitter. Criteria: ACMG Guidelines, 2015. Collection method: clinical testing. Allele origin: germline. Observed: 1 variant allele.
Comment: BP4, PM1_supporting

Illumina Laboratory Services, Illumina
Classification: Uncertain significance for Hermansky-Pudlak syndrome 4. Last evaluated: 2018-01-13. Review status: criteria provided, single submitter. Criteria: ICSL Variant Classification Criteria 13 December 2019. Collection method: clinical testing. Allele origin: germline.

Department of Pathology and Laboratory Medicine, Sinai Health System
Classification: Uncertain significance. Review status: no assertion criteria provided. Collection method: clinical testing. Allele origin: unknown. Affected: yes. Study: The Canadian Open Genetics Repository (COGR). Not counted in ClinVar's aggregate classification.
Comment: The HPS4 p.Thr308Ala variant was not identified in the literature nor was it identified in LOVD 3.0. The variant was identified in dbSNP (ID: rs150057646) and ClinVar (classified as uncertain significance by Illumina for Hermansky-Pudlak Syndrome). The variant was identified in control databases in 51 of 246738 chromosomes at a frequency of 0.0002067 (Genome Aggregation Database March 6, 2019, v2.1.1). The variant was observed in the following populations: Ashkenazi Jewish in 26 of 9458 chromosomes (freq: 0.002749), South Asian in 10 of 29682 chromosomes (freq: 0.000337), Other in 1 of 5998 chromosomes (freq: 0.000167), European (non-Finnish) in 11 of 111674 chromosomes (freq: 0.000099) and Latino in 3 of 34148 chromosomes (freq: 0.000088), but was not observed in the African, East Asian, or European (Finnish) populations. The p.Thr308 residue is not conserved in mammals and computational analyses (PolyPhen-2, SIFT, AlignGVGD, BLOSUM, MutationTaster) do not suggest a high likelihood of impact to the protein; however, this information is not predictive enough to rule out pathogenicity. The variant occurs outside of the splicing consensus sequence and in silico or computational prediction software programs (SpliceSiteFinder, MaxEntScan, NNSPLICE, GeneSplicer) do not predict a difference in splicing. In summary, based on the above information the clinical significance of this variant cannot be determined with certainty at this time. This variant is classified as a variant of uncertain significance.